The following is an entry in ClinVar:

NM_001148.6(ANK2):c.8621C>A (p.Thr2874Lys)

Gene: ANK2 (ankyrin 2; plus strand). Cytogenetic location: 4q26.
Variant type: single nucleotide variant.
Coding change: c.8621C>A on transcript NM_001148.6 (MANE Select); coding-DNA position 8621, C replaced by A.
Protein change: p.Thr2874Lys; replaces threonine 2874 with lysine.
Molecular consequence: missense variant. On other transcripts: intron variant (68).
Genome position (GRCh38, 1-based): chr4:113,357,239, C>A. VCF-style: chr4-113357239-C-A. GRCh37 (hg19) VCF-style: chr4-114278395-C-A.
Other names: c.827-3584C>A (NM_001386167.1); c.8387C>A, p.Thr2796Lys (NM_001386142.1); c.5021C>A, p.Thr1674Lys (NM_001386166.1); c.8762C>A, p.Thr2921Lys (NM_001386174.1); c.8738C>A, p.Thr2913Lys (NM_001386175.1); c.4412-3584C>A (NM_001386186.2, NM_001386148.2); c.4214-3584C>A (NM_001354269.3); c.4292-3584C>A (NM_001386187.2); and 35 more; short protein forms T2921K, T2913K, T2874K, T1674K, T2796K.
Identifiers: ClinVar variation 2963935 (VCV002963935.3), dbSNP rs2095847279, ClinGen allele CA357934460.

ClinVar aggregate classification (germline): Uncertain significance (1 of 4 stars; one submission).

Conditions:
Long QT syndrome (LQTS). Identifiers: MedGen C0023976, MeSH D008133, MONDO:0002442. Disease mechanism: loss of function. Inheritance: Various modes of inheritance.

Allele frequency attached by ClinVar (database versions not stated): gnomAD exomes below 0.00001; gnomAD 0.00001; TOPMed 0.00001.
gnomAD v4.1: 2 of 1,613,912 alleles (0.00012%); highest among the groups gnomAD compares: African/African-American, 0.0027%; no homozygotes.

Submission:

Labcorp Genetics (formerly Invitae), Labcorp
Classification: Uncertain significance for Long QT syndrome. Last evaluated: 2023-06-21. Review status: criteria provided, single submitter. Criteria: Invitae Variant Classification Sherloc (09022015). Collection method: clinical testing. Allele origin: germline.
Comment: This sequence change replaces threonine, which is neutral and polar, with lysine, which is basic and polar, at codon 2874 of the ANK2 protein (p.Thr2874Lys). This variant is not present in population databases (gnomAD no frequency). This variant has not been reported in the literature in individuals affected with ANK2-related conditions. An algorithm developed to predict the effect of missense changes on protein structure and function (PolyPhen-2) suggests that this variant is likely to be tolerated. In summary, the available evidence is currently insufficient to determine the role of this variant in disease. Therefore, it has been classified as a Variant of Uncertain Significance.